The following is an entry in ClinVar:

ClinVar aggregate classification (germline): Benign. Review status: reviewed by expert panel (3 of 4 stars). 19 submissions from 19 submitters: Benign (1). 18 of the submissions do not count toward it. Last evaluated 2015-08-10.

Conditions:
Hereditary cancer-predisposing syndrome. Also called: Neoplastic Syndromes, Hereditary; Tumor predisposition; Hereditary Cancer Syndrome; Hereditary neoplastic syndrome. Identifiers: Orphanet 140162, MedGen C0027672, MeSH D009386, MONDO:0015356.
Hereditary breast ovarian cancer syndrome. Also called: Hereditary breast and ovarian cancer syndrome; Hereditary breast and ovarian cancer; Hereditary breast and ovarian cancer syndrome (HBOC); Breast and ovarian cancer; Hereditary breast and/or ovarian cancer syndrome; BRCA1- and BRCA2-Associated Hereditary Breast and Ovarian Cancer. Identifiers: Orphanet 145, MedGen C0677776, MeSH D061325, MONDO:0003582. Disease mechanism: loss of function.
Breast-ovarian cancer, familial, susceptibility to, 2 (BROVCA2). Also called: BRCA2 Hereditary Breast and Ovarian Cancer. Identifiers: Orphanet 145, MedGen C2675520, MONDO:0012933, OMIM 612555. Disease mechanism: loss of function.

Allele frequency attached by ClinVar (database versions not stated): gnomAD 0.00002; TOPMed 0.00002; ExAC 0.00003; gnomAD exomes 0.00004.
gnomAD v4.1: 99 of 1,602,592 alleles (0.0062%); highest among the groups gnomAD compares: Non-Finnish European, 0.0078%; no homozygotes.

Submissions (19):

Evidence-based Network for the Interpretation of Germline Mutant Alleles (ENIGMA)
Classification: Benign for Breast-ovarian cancer, familial 2. Last evaluated: 2015-08-10. Review status: reviewed by expert panel. Criteria: ENIGMA BRCA1/2 Classification Criteria (2015). Collection method: curation. Allele origin: germline.
Comment: IARC class based on posterior probability from multifactorial likelihood analysis, thresholds for class as per Plon et al. 2008 (PMID: 18951446). Class 1 based on posterior probability = 0.000000101

Labcorp Genetics (formerly Invitae), Labcorp
Classification: Benign for Hereditary breast ovarian cancer syndrome. Last evaluated: 2026-01-27. Review status: criteria provided, single submitter. Criteria: Invitae Variant Classification Sherloc (09022015). Collection method: clinical testing. Allele origin: germline. Not counted in ClinVar's aggregate classification.

Mayo Clinic Laboratories, Mayo Clinic
Classification: Benign. Last evaluated: 2025-04-07. Review status: criteria provided, single submitter. Criteria: ACMG Guidelines, 2015. Collection method: clinical testing. Allele origin: germline. Observed: 1 variant allele. Not counted in ClinVar's aggregate classification.
Comment: BS1_supporting, BP1_strong, BP5_very_strong

Center for Genomic Medicine, Rigshospitalet, Copenhagen University Hospital
Classification: Benign. Last evaluated: 2025-03-04. Review status: criteria provided, single submitter. Criteria: ACMG Guidelines, 2015. Collection method: clinical testing. Allele origin: germline. Not counted in ClinVar's aggregate classification.

ARUP Laboratories, Molecular Genetics and Genomics, ARUP Laboratories
Classification: Benign. Last evaluated: 2024-02-13. Review status: criteria provided, single submitter. Criteria: ARUP Molecular Germline Variant Investigation Process 2024. Collection method: clinical testing. Allele origin: germline. Not counted in ClinVar's aggregate classification.

Quest Diagnostics Nichols Institute San Juan Capistrano
Classification: Likely benign. Last evaluated: 2022-12-24. Review status: criteria provided, single submitter. Criteria: Quest Diagnostics criteria. Collection method: clinical testing. Allele origin: unknown. Not counted in ClinVar's aggregate classification.

GeneDx
Classification: Likely benign. Last evaluated: 2021-05-05. Review status: criteria provided, single submitter. Criteria: GeneDx Variant Classification Process June 2021. Collection method: clinical testing. Allele origin: germline. Affected: yes. Not counted in ClinVar's aggregate classification.
Comment: This variant is associated with the following publications: (PMID: 24323938, 20104584, 20383589, 21218378, 21990134, 28678401, 21232165, 18559594, 23034506, 17924331, 27300552, 32444794, 32123317)

Women's Health and Genetics/Laboratory Corporation of America, LabCorp
Classification: Benign. Last evaluated: 2019-12-23. Review status: criteria provided, single submitter. Criteria: LabCorp Variant Classification Summary - May 2015. Collection method: clinical testing. Allele origin: germline. Not counted in ClinVar's aggregate classification.
Comment: Variant summary: BRCA2 c.1804G>A (p.Gly602Arg) results in a non-conservative amino acid change in the encoded protein sequence. Four of five in-silico tools predict a benign effect of the variant on protein function. The variant allele was found at a frequency of 4.2e-05 in 239200 control chromosomes. This frequency is not significantly higher than expected for a pathogenic variant in BRCA2 causing Hereditary Breast and Ovarian Cancer (4.2e-05 vs 0.00075), allowing no conclusion about variant significance. c.1804G>A has been reported in the literature in individuals affected with Hereditary Breast and Ovarian Cancer (Lee_2008, Soegaard_2008, Borg_2010, Balabas_2010, Stegel_2011). These report(s) do not provide unequivocal conclusions about association of the variant with Hereditary Breast and Ovarian Cancer. To our knowledge, no experimental evidence demonstrating an impact on protein function has been reported. Seven clinical diagnostic laboratories have submitted clinical-significance assessments for this variant to ClinVar after 2014 without evidence for independent evaluation. All laboratories classified the variant as benign/likely benign. Based on the evidence outlined above, the variant was classified as benign.

Genome Diagnostics Laboratory, University Medical Center Utrecht
Classification: Likely benign for Breast-ovarian cancer, familial, susceptibility to, 2. Last evaluated: 2017-07-28. Review status: criteria provided, single submitter. Criteria: ACGS Guidelines, 2013. Collection method: clinical testing. Allele origin: germline. Affected: yes. Study: VKGL Data-share Consensus. Not counted in ClinVar's aggregate classification.

Clinical Genetics DNA and cytogenetics Diagnostics Lab, Erasmus MC, Erasmus Medical Center
Classification: Benign for Breast-ovarian cancer, familial, susceptibility to, 2. Last evaluated: 2015-09-21. Review status: criteria provided, single submitter. Criteria: ACGS Guidelines, 2013. Collection method: clinical testing. Allele origin: germline. Affected: yes. Study: VKGL Data-share Consensus. Not counted in ClinVar's aggregate classification.

Color Diagnostics, LLC DBA Color Health
Classification: Likely benign for Hereditary cancer-predisposing syndrome. Last evaluated: 2015-02-16. Review status: criteria provided, single submitter. Criteria: ACMG Guidelines, 2015. Collection method: clinical testing. Allele origin: germline. Not counted in ClinVar's aggregate classification.

Ambry Genetics
Classification: Benign for Hereditary cancer-predisposing syndrome. Last evaluated: 2014-11-19. Review status: criteria provided, single submitter. Criteria: Ambry Variant Classification Scheme 2023. Collection method: clinical testing. Allele origin: germline. Not counted in ClinVar's aggregate classification.

BRCAlab, Lund University
Classification: Benign for Breast-ovarian cancer, familial, susceptibility to, 2. Last evaluated: 2020-03-02. Review status: no assertion criteria provided. Collection method: clinical testing. Allele origin: germline. Affected: yes. Not counted in ClinVar's aggregate classification.

Counsyl
Classification: Benign for Breast-ovarian cancer, familial, susceptibility to, 2. Last evaluated: 2016-05-03. Review status: no assertion criteria provided. Collection method: clinical testing. Allele origin: unknown. Not counted in ClinVar's aggregate classification.

Sharing Clinical Reports Project (SCRP)
Classification: Benign for Breast-ovarian cancer, familial 2. Last evaluated: 2010-01-15. Review status: no assertion criteria provided. Collection method: clinical testing. Allele origin: germline. Not counted in ClinVar's aggregate classification.

Breast Cancer Information Core (BIC) (BRCA2)
Classification: Uncertain significance for Breast-ovarian cancer, familial 2. Last evaluated: 2004-02-20. Review status: no assertion criteria provided. Collection method: clinical testing. Allele origin: germline. Affected: yes. Observed: 10 variant alleles. Not counted in ClinVar's aggregate classification.

Clinical Genetics Laboratory, Department of Pathology, Netherlands Cancer Institute
Classification: Benign. Review status: no assertion criteria provided. Collection method: clinical testing. Allele origin: germline. Affected: yes. Study: VKGL Data-share Consensus. Not counted in ClinVar's aggregate classification.

Diagnostic Laboratory, Department of Genetics, University Medical Center Groningen
Classification: Benign for Breast-ovarian cancer, familial, susceptibility to, 2. Review status: no assertion criteria provided. Collection method: clinical testing. Allele origin: germline. Affected: yes. Study: VKGL Data-share Consensus. Not counted in ClinVar's aggregate classification.

Joint Genome Diagnostic Labs from Nijmegen and Maastricht, Radboudumc and MUMC+
Classification: Benign. Review status: no assertion criteria provided. Collection method: clinical testing. Allele origin: germline. Affected: yes. Study: VKGL Data-share Consensus. Not counted in ClinVar's aggregate classification.

Literature cited by the submitters: PubMed 21990134 (cited by 4 submitters); PubMed 17924331 (cited by 3 submitters); PubMed 23034506 (cited by Quest Diagnostics Nichols Institute San Juan Capistrano and Women's Health and Genetics/Laboratory Corporation of America, LabCorp); PubMed 24323938 (cited by Quest Diagnostics Nichols Institute San Juan Capistrano and Women's Health and Genetics/Laboratory Corporation of America, LabCorp); PubMed 21218378 (cited by 3 submitters); PubMed 21232165 (cited by 3 submitters); PubMed 20104584 (cited by Quest Diagnostics Nichols Institute San Juan Capistrano and Women's Health and Genetics/Laboratory Corporation of America, LabCorp); PubMed 18951446 (cited by Quest Diagnostics Nichols Institute San Juan Capistrano); PubMed 32444794 (cited by Quest Diagnostics Nichols Institute San Juan Capistrano); PubMed 32123317 (cited by Quest Diagnostics Nichols Institute San Juan Capistrano); PubMed 28678401 (cited by Quest Diagnostics Nichols Institute San Juan Capistrano); PubMed 21520273 (cited by Women's Health and Genetics/Laboratory Corporation of America, LabCorp and Counsyl); PubMed 18284688 (cited by Women's Health and Genetics/Laboratory Corporation of America, LabCorp and Counsyl); PubMed 18559594 (cited by Women's Health and Genetics/Laboratory Corporation of America, LabCorp and Counsyl); PubMed 20383589 (cited by Women's Health and Genetics/Laboratory Corporation of America, LabCorp and Counsyl); PubMed 20167696 (cited by Counsyl).

NM_000059.4(BRCA2):c.1804G>A (p.Gly602Arg)

Gene: BRCA2 (BRCA2 DNA repair associated; plus strand). Cytogenetic location: 13q13.1.
Variant type: single nucleotide variant.
Coding change: c.1804G>A on transcript NM_000059.4 (MANE Select); coding-DNA position 1804, G replaced by A.
Protein change: p.Gly602Arg; replaces glycine 602 with arginine.
Molecular consequence: missense variant.
Genome position (GRCh38, 1-based): chr13:32,333,282, G>A. VCF-style: chr13-32333282-G-A. GRCh37 (hg19) VCF-style: chr13-32907419-G-A.
Other names: p.G602R:GGA>AGA; p.Gly602Arg; 2032G>A; short protein forms G602R.
Identifiers: ClinVar variation 51200 (VCV000051200.33), dbSNP rs80358466, ClinGen allele CA013330.